The following is an entry in ClinVar:

NC_012920.1(MT-CO3):m.9754A>G

Gene: MT-CO3 (mitochondrially encoded cytochrome c oxidase III; plus strand).
Variant type: single nucleotide variant.
Genome position: chrM-9754-A-G.
Identifiers: ClinVar variation 693220 (VCV000693220.1), dbSNP rs1603222476, ClinGen allele CA414803637.

ClinVar aggregate classification (germline): Likely benign (1 of 4 stars; one submission).

Conditions:
Leigh syndrome (NULS). Also called: Leigh's necrotizing encephalopathy; Leigh's disease; Leigh Syndrome (mtDNA deletion); Leigh Disease; Subacute necrotizing encephalopathy; Necrotizing encephalopathy infantile subacute of Leigh. Identifiers: Orphanet 506, MedGen C2931891, MONDO:0009723, OMIM 256000.

Submission:

Wong Mito Lab, Molecular and Human Genetics, Baylor College of Medicine
Classification: Likely benign for Leigh syndrome. Last evaluated: 2019-10-17. Review status: criteria provided, single submitter. Criteria: Modified ACMG Guidelines (Unpublished). Collection method: clinical testing. Allele origin: germline.
Comment: The NC_012920.1:m.9754A>G (YP_003024032.1:p.Glu183Gly) variant in MTCO3 gene is interpretated to be a Likely Benign variant based on the modified ACMG guidelines (unpublished). This variant meets the following evidence codes: BS1, BP5